The following is an entry in ClinVar:

ClinVar aggregate classification (germline): Likely pathogenic (1 of 4 stars; one submission).

Conditions:
PEHO syndrome (PEHO). Also called: PROGRESSIVE ENCEPHALOPATHY WITH EDEMA, HYPSARRHYTHMIA, AND OPTIC ATROPHY. Identifiers: Orphanet 2836, Orphanet 99807, MedGen C1850055, MONDO:0009841, OMIM 260565.

Submission:

Variantyx, Inc.
Classification: Likely pathogenic for PEHO syndrome. Last evaluated: 2025-10-01. Review status: criteria provided, single submitter. Criteria: Variantyx Assertion Criteria 2022. Collection method: clinical testing. Allele origin: germline. Inheritance: Autosomal recessive inheritance.
Comment: This is a frameshift variant in the ZNHIT3 gene (OMIM: 604500). Pathogenic variants in this gene have been associated with autosomal recessive PEHO syndrome. This variant has not been reported in individuals with ZNHIT3-related disorders in the databases available for review. This variant introduces a premature termination codon in exon 4 out of 5 and is expected to disrupt the C-terminal region of protein and loss of function is a known disease mechanism for ZNHIT3 in this disorde (PMID:28335020) (PVS1_Strong). This variant has been identified in the compound heterozygous state in a previous internal case (PM3), and it has a 0.0033% maximum allele frequency in non-founder control populations (PM2). Based on the current evidence, this variant is classified as likely pathogenic for autosomal recessive PEHO syndrome.

Literature cited by the submitters: PubMed 28335020.

NM_004773.4(ZNHIT3):c.253_254del (p.Asp85fs)

Gene: ZNHIT3 (zinc finger HIT-type containing 3; plus strand). Cytogenetic location: 17q12.
Variant type: Deletion.
Coding change: c.253_254del on transcript NM_004773.4 (MANE Select); coding-DNA positions 253 to 254, 2 bases deleted (GA; older notation c.253_254delGA).
Protein change: p.Asp85fs; shifts the reading frame from aspartic acid 85.
Molecular consequence: frameshift variant. On other transcripts: non-coding transcript variant (3), intron variant (1).
Genome position (GRCh38, 1-based): chr17:36,493,973-36,493,974, GA deleted; deleting any 2 consecutive bases within chr17:36,493,972-36,493,974 gives the same sequence; the c. name uses the placement nearest the transcript's 3' end. VCF-style (leftmost placement, unchanged base first): chr17-36493971-AAG-A. GRCh37 (hg19) VCF-style: chr17-34849815-AAG-A.
Other names: c.253_254del, p.Asp85fs (NM_001281432.2); c.219_220del, p.Lys73fs (NM_001281433.2); c.119-1250_119-1249del (NM_001281434.2); short protein forms K73fs, D85fs.
Identifiers: ClinVar variation 4850690 (VCV004850690.1), dbSNP rs770891896.
Genomic context (GRCh38, chr17:36,493,971, plus strand): 5'-TTTTGTATTCCTTAGATGATGATGACTCTATAGCTGATTTTCTCAATAGTGATGAGGAAG[AAG>A]ACAGAGTTTCTTTGCAGAATTTAAAGAATTTAGGTAAGTCTGTGCTATGCTTGTCAATCG-3'